The following is an entry in ClinVar:

ClinVar aggregate classification (germline): Pathogenic (1 of 4 stars; one submission).

Submission:

Labcorp Genetics (formerly Invitae), Labcorp
Classification: Pathogenic. Last evaluated: 2023-12-30. Review status: criteria provided, single submitter. Criteria: Invitae Variant Classification Sherloc (09022015). Collection method: clinical testing. Allele origin: unknown.
Comment: This variant is a gross deletion of the genomic region encompassing exon(s) 4-5 of the SLC27A4 gene. This deletion is out-of-frame, and is expected to create a premature termination codon and result in an absent or disrupted protein product. Loss-of-function variants in SLC27A4 are known to be pathogenic (PMID: 19631310, 21450060). This variant has not been reported in the literature in individuals affected with SLC27A4-related conditions. For these reasons, this variant has been classified as Pathogenic.

Literature cited by the submitters: PubMed 19631310; PubMed 21450060.

NC_000009.11:g.(?_131108613)_(131112753_?)del

Gene: SLC27A4 (solute carrier family 27 member 4; plus strand). Cytogenetic location: 9q34.11.
Variant type: Deletion.
Identifiers: ClinVar variation 3245335 (VCV003245335.1).